The following is an entry in ClinVar:

ClinVar aggregate classification (germline): Uncertain significance (1 of 4 stars; one submission).

Submission:

Labcorp Genetics (formerly Invitae), Labcorp
Classification: Uncertain significance. Last evaluated: 2024-08-28. Review status: criteria provided, single submitter. Criteria: Invitae Variant Classification Sherloc (09022015). Collection method: clinical testing. Allele origin: germline.
Comment: This sequence change replaces glycine, which is neutral and non-polar, with aspartic acid, which is acidic and polar, at codon 68 of the APRT protein (p.Gly68Asp). This variant is not present in population databases (gnomAD no frequency). This variant has not been reported in the literature in individuals affected with APRT-related conditions. An algorithm developed to predict the effect of missense changes on protein structure and function (PolyPhen-2) suggests that this variant is likely to be disruptive. In summary, the available evidence is currently insufficient to determine the role of this variant in disease. Therefore, it has been classified as a Variant of Uncertain Significance.

NM_000485.3(APRT):c.203G>A (p.Gly68Asp)

Gene: APRT (adenine phosphoribosyltransferase; minus strand). Cytogenetic location: 16q24.3.
Variant type: single nucleotide variant.
Coding change: c.203G>A on transcript NM_000485.3 (MANE Select); coding-DNA position 203, G replaced by A.
Protein change: p.Gly68Asp; replaces glycine 68 with aspartic acid.
Molecular consequence: missense variant.
Genome position (GRCh38, 1-based): chr16:88,810,541, C>T on the plus strand (G>A on the coding strand, the complement: APRT is on the minus strand). VCF-style: chr16-88810541-C-T. GRCh37 (hg19) VCF-style: chr16-88876949-C-T.
Other names: c.203G>A, p.Gly68Asp (NM_001030018.2); short protein forms G68D.
Identifiers: ClinVar variation 3663729 (VCV003663729.2).
Genomic context (GRCh38, chr16:88,810,541, plus strand): 5'-TTTCGGATGAGCACGCAGCCCAGTCCAAGCTCCTGGGCCAGGGAGGGGCCAAAGAGGAAG[C>T]CTCGGGAGTCTAGGCCTGTCAGGGTAAGTGACAGGAGTGACTCGGCAGCATGGGAATCCC-3'
Protein context (NP_000476.1, residues 58-78): IDYIAGLDSR[Gly68Asp]FLFGPSLAQE